The following is an entry in ClinVar:

ClinVar aggregate classification (germline): Pathogenic (1 of 4 stars; one submission).

Submission:

Labcorp Genetics (formerly Invitae), Labcorp
Classification: Pathogenic. Last evaluated: 2023-06-13. Review status: criteria provided, single submitter. Criteria: Invitae Variant Classification Sherloc (09022015). Collection method: clinical testing. Allele origin: germline.
Comment: For these reasons, this variant has been classified as Pathogenic. This variant has not been reported in the literature in individuals affected with CEP250-related conditions. A gross deletion of the genomic region encompassing the full coding sequence of the CEP250 gene has been identified. Loss-of-function variants in CEP250 are known to be pathogenic (PMID: 24780881, 29718797). The boundaries of this event are unknown as they extend beyond the assayed region for this gene and therefore may encompass additional genes.

Literature cited by the submitters: PubMed 24780881; PubMed 29718797.

NC_000020.10:g.(?_34050193)_(34099455_?)del

Gene: CEP250 (centrosomal protein 250; plus strand). Cytogenetic location: 20q11.22.
Variant type: Deletion.
Identifiers: ClinVar variation 1455407 (VCV001455407.5).